The following is an entry in ClinVar:

ClinVar aggregate classification (germline): Conflicting classifications of pathogenicity. Review status: criteria provided, conflicting classifications (1 of 4 stars). 6 submissions from 6 submitters: Uncertain significance (1); Benign (1); Likely benign (4). Last evaluated 2026-07-23.

Conditions:
Arrhythmogenic cardiomyopathy with wooly hair and keratoderma. Also called: Arrhythmogenic cardiomyopathy with woolly hair and keratoderma; Dilated cardiomyopathy with woolly hair and keratoderma; Carvajal syndrome; PALMOPLANTAR KERATODERMA WITH LEFT VENTRICULAR CARDIOMYOPATHY AND WOOLLY HAIR. Identifiers: Orphanet 65282, MedGen C1854063, MONDO:0011581, OMIM 605676.
Arrhythmogenic right ventricular dysplasia 8 (ARVD8). Also called: ARRHYTHMOGENIC RIGHT VENTRICULAR CARDIOMYOPATHY 8; ARRHYTHMOGENIC RIGHT VENTRICULAR DYSPLASIA, FAMILIAL, 8; Arrhythmogenic Right Ventricular Dysplasia/Cardiomyopathy 8. Identifiers: MedGen C1843896, MONDO:0011831, OMIM 607450.
DSP-related disorder. Also called: DSP-related condition; DSP-related disorders.
Cardiomyopathy (CMYO). Also called: Cardiomyopathies. Identifiers: Orphanet 167848, MedGen C0878544, MONDO:0004994, HP:0001638. Inheritance: Various modes of inheritance.
Cardiovascular phenotype. Identifiers: MedGen CN230736.

Allele frequency attached by ClinVar (database versions not stated): TOPMed 0.00001; gnomAD exomes 0.00002; ExAC 0.00004.

Submissions (6):

PreventionGenetics, part of Exact Sciences
Classification: Likely benign for DSP-related condition. Last evaluated: 2026-07-23. Review status: criteria provided, single submitter. Criteria: ACMG Guidelines, 2015. Collection method: clinical testing. Allele origin: germline.
Comment: This variant is classified as likely benign based on ACMG/AMP sequence variant interpretation guidelines (Richards et al. 2015 PMID: 25741868, with internal and published modifications).

Labcorp Genetics (formerly Invitae), Labcorp
Classification: Benign for Arrhythmogenic cardiomyopathy with wooly hair and keratoderma; Arrhythmogenic right ventricular dysplasia 8. Last evaluated: 2025-11-21. Review status: criteria provided, single submitter. Criteria: Invitae Variant Classification Sherloc (09022015). Collection method: clinical testing. Allele origin: germline.

Color Diagnostics, LLC DBA Color Health
Classification: Likely benign for Cardiomyopathy. Last evaluated: 2024-04-07. Review status: criteria provided, single submitter. Criteria: ACMG Guidelines, 2015. Collection method: clinical testing. Allele origin: germline.

All of Us Research Program, National Institutes of Health
Classification: Uncertain significance for Arrhythmogenic cardiomyopathy with wooly hair and keratoderma. Last evaluated: 2023-12-01. Review status: criteria provided, single submitter. Criteria: ACMG Guidelines, 2015. Collection method: clinical testing. Allele origin: germline. Inheritance: Autosomal dominant inheritance. Observed: 6 variant alleles, 6 heterozygotes.
Comment: This variant is located in the DSP protein. To our knowledge, functional studies have not been reported for this variant. This variant has not been reported in individuals affected with DSP-related disorders in the literature. This variant has been identified in 6/251150 chromosomes in the general population by the Genome Aggregation Database (gnomAD). The available evidence is insufficient to determine the role of this variant in disease conclusively. Therefore, this variant is classified as a Variant of Uncertain Significance.

This study involves interpretation of variants in research participants for the purpose of population health screening. Participant phenotype was not available at the time of variant classification. Additional details can be found in publication PMID: 35346344, PMCID: PMC8962531

Women's Health and Genetics/Laboratory Corporation of America, LabCorp
Classification: Likely benign. Last evaluated: 2023-08-19. Review status: criteria provided, single submitter. Criteria: LabCorp Variant Classification Summary - May 2015. Collection method: clinical testing. Allele origin: germline.

Ambry Genetics
Classification: Likely benign for Cardiovascular phenotype. Last evaluated: 2022-10-17. Review status: criteria provided, single submitter. Criteria: Ambry Variant Classification Scheme 2023. Collection method: clinical testing. Allele origin: germline.

NM_004415.4(DSP):c.2046C>T (p.Cys682=)

Gene: DSP (desmoplakin; plus strand). Cytogenetic location: 6p24.3.
Variant type: single nucleotide variant.
Coding change: c.2046C>T on transcript NM_004415.4 (MANE Select); coding-DNA position 2046, C replaced by T.
Protein change: p.Cys682=; no amino-acid change (cysteine 682 retained).
Molecular consequence: synonymous variant.
Genome position (GRCh38, 1-based): chr6:7,571,984, C>T. VCF-style: chr6-7571984-C-T. GRCh37 (hg19) VCF-style: chr6-7572217-C-T.
Other names: c.2046C>T (NM_004415.3); c.2046C>T, p.Cys682= (NM_001008844.3, NM_001319034.2).
Identifiers: ClinVar variation 1051046 (VCV001051046.15), dbSNP rs771674559, ClinGen allele CA031477.